The following is an entry in ClinVar:

ClinVar aggregate classification (germline): Pathogenic (1 of 4 stars; one submission).

Conditions:
Hemochromatosis type 4 (HFE4). Also called: HEMOCHROMATOSIS DUE TO DEFECT IN FERROPORTIN; HEMOCHROMATOSIS, AUTOSOMAL DOMINANT; Ferroportin disease. Identifiers: Orphanet 139491, Orphanet 647834, Orphanet 648562, MedGen C1853733, MONDO:0011631, OMIM 606069.

Submission:

Labcorp Genetics (formerly Invitae), Labcorp
Classification: Pathogenic for Hemochromatosis type 4. Last evaluated: 2023-12-11. Review status: criteria provided, single submitter. Criteria: Invitae Variant Classification Sherloc (09022015). Collection method: clinical testing. Allele origin: germline.
Comment: This sequence change replaces asparagine, which is neutral and polar, with tyrosine, which is neutral and polar, at codon 144 of the SLC40A1 protein (p.Asn144Tyr). This variant is not present in population databases (gnomAD no frequency). This missense change has been observed in individuals with hereditary hemochromatosis (Invitae). It has also been observed to segregate with disease in related individuals. ClinVar contains an entry for this variant (Variation ID: 240918). Advanced modeling of protein sequence and biophysical properties (such as structural, functional, and spatial information, amino acid conservation, physicochemical variation, residue mobility, and thermodynamic stability) performed at Invitae indicates that this missense variant is expected to disrupt SLC40A1 protein function with a positive predictive value of 80%. This variant disrupts the p.Asn144 amino acid residue in SLC40A1. Other variant(s) that disrupt this residue have been determined to be pathogenic (PMID: 11431687, 12865285, 15030991, 15831700, 16440176, 19383972). This suggests that this residue is clinically significant, and that variants that disrupt this residue are likely to be disease-causing. For these reasons, this variant has been classified as Pathogenic.

Literature cited by the submitters: PubMed 11431687; PubMed 12865285; PubMed 15030991; PubMed 15831700; PubMed 16440176; PubMed 19383972.

NM_014585.6(SLC40A1):c.430A>T (p.Asn144Tyr)

Gene: SLC40A1 (solute carrier family 40 member 1; minus strand). Cytogenetic location: 2q32.2.
Variant type: single nucleotide variant.
Coding change: c.430A>T on transcript NM_014585.6 (MANE Select); coding-DNA position 430, A replaced by T.
Protein change: p.Asn144Tyr; replaces asparagine 144 with tyrosine.
Molecular consequence: missense variant.
Genome position (GRCh38, 1-based): chr2:189,571,799, T>A on the plus strand (A>T on the coding strand, the complement: SLC40A1 is on the minus strand). VCF-style: chr2-189571799-T-A. GRCh37 (hg19) VCF-style: chr2-190436525-T-A.
Other names: short protein forms N144Y.
Identifiers: ClinVar variation 240918 (VCV000240918.8), dbSNP rs104893662, ClinGen allele CA10581910.